The following is an entry in ClinVar:

NM_058216.3(RAD51C):c.649A>T (p.Thr217Ser)

Genes: RAD51C (RAD51 paralog C; plus strand), LOC129390903 (MPRA-validated peak2919 silencer; plus strand). Cytogenetic location: 17q22.
Variant type: single nucleotide variant.
Coding change: c.649A>T on transcript NM_058216.3 (MANE Select); coding-DNA position 649, A replaced by T.
Protein change: p.Thr217Ser; replaces threonine 217 with serine.
Molecular consequence: missense variant. On other transcripts: non-coding transcript variant (1).
Genome position (GRCh38, 1-based): chr17:58,703,273, A>T. VCF-style: chr17-58703273-A-T. GRCh37 (hg19) VCF-style: chr17-56780634-A-T.
Other names: short protein forms T217S.
Identifiers: ClinVar variation 487202 (VCV000487202.12), dbSNP rs1555597189, ClinGen allele CA400349656.
Genomic context (GRCh38, chr17:58,703,273, plus strand): 5'-GAGGATTTCACTCTTGATAATATTCTTTCTCATATTTATTATTTTCGCTGTCGTGACTAC[A>T]CAGAGTTACTGGCACAAGTTTATCTTCTTCCAGATTTCCTTTCAGAACACTCAAAGGTAT-3'
Protein context (NP_478123.1, residues 207-227): HIYYFRCRDY[Thr217Ser]ELLAQVYLLP

ClinVar aggregate classification (germline): Conflicting classifications of pathogenicity. Review status: criteria provided, conflicting classifications (1 of 4 stars). 3 submissions from 3 submitters: Uncertain significance (2); Benign (1). Last evaluated 2025-10-28.

Conditions:
Fanconi anemia complementation group O. Also called: RAD51C-Related Fanconi Anemia. Identifiers: Orphanet 84, MedGen C3150653, MONDO:0013248, OMIM 613390.
Hereditary cancer-predisposing syndrome. Also called: Tumor predisposition; Neoplastic Syndromes, Hereditary; Hereditary Cancer Syndrome; Hereditary neoplastic syndrome. Identifiers: Orphanet 140162, MedGen C0027672, MeSH D009386, MONDO:0015356.

Submissions (3):

Ambry Genetics
Classification: Benign for Hereditary cancer-predisposing syndrome. Last evaluated: 2025-10-28. Review status: criteria provided, single submitter. Criteria: Ambry Variant Classification Scheme 2023. Collection method: clinical testing. Allele origin: germline.

Labcorp Genetics (formerly Invitae), Labcorp
Classification: Uncertain significance for Fanconi anemia complementation group O. Last evaluated: 2024-08-12. Review status: criteria provided, single submitter. Criteria: Invitae Variant Classification Sherloc (09022015). Collection method: clinical testing. Allele origin: germline.
Comment: This sequence change replaces threonine, which is neutral and polar, with serine, which is neutral and polar, at codon 217 of the RAD51C protein (p.Thr217Ser). This variant is not present in population databases (gnomAD no frequency). This variant has not been reported in the literature in individuals affected with RAD51C-related conditions. ClinVar contains an entry for this variant (Variation ID: 487202). Advanced modeling of protein sequence and biophysical properties (such as structural, functional, and spatial information, amino acid conservation, physicochemical variation, residue mobility, and thermodynamic stability) performed at Invitae indicates that this missense variant is not expected to disrupt RAD51C protein function with a negative predictive value of 80%. In summary, the available evidence is currently insufficient to determine the role of this variant in disease. Therefore, it has been classified as a Variant of Uncertain Significance.

Color Diagnostics, LLC DBA Color Health
Classification: Uncertain significance for Hereditary cancer-predisposing syndrome. Last evaluated: 2023-06-13. Review status: criteria provided, single submitter. Criteria: ACMG Guidelines, 2015. Collection method: clinical testing. Allele origin: germline.
Comment: This missense variant replaces threonine with serine at codon 217 of the RAD51C protein. Computational prediction suggests that this variant may not impact protein structure and function (internally defined REVEL score threshold <= 0.5, PMID: 27666373). To our knowledge, functional studies have not been reported for this variant. This variant has not been reported in individuals affected with RAD51C-related disorders in the literature. This variant has not been identified in the general population by the Genome Aggregation Database (gnomAD). The available evidence is insufficient to determine the role of this variant in disease conclusively. Therefore, this variant is classified as a Variant of Uncertain Significance.